The following is an entry in ClinVar:

ClinVar aggregate classification (germline): Conflicting classifications of pathogenicity. Review status: criteria provided, conflicting classifications (1 of 4 stars). 6 submissions from 6 submitters: Uncertain significance (5); Likely benign (1). Last evaluated 2025-11-13.

Conditions:
Hereditary breast ovarian cancer syndrome. Also called: Hereditary breast and ovarian cancer; Breast and ovarian cancer; Hereditary breast and ovarian cancer syndrome; Hereditary breast and/or ovarian cancer syndrome; BRCA1- and BRCA2-Associated Hereditary Breast and Ovarian Cancer; Hereditary breast and ovarian cancer syndrome (HBOC). Identifiers: Orphanet 145, MedGen C0677776, MeSH D061325, MONDO:0003582. Disease mechanism: loss of function.
BRCA1-related cancer predisposition. Identifiers: MedGen CN377757, MONDO:0700268.
Hereditary cancer-predisposing syndrome. Also called: Hereditary Cancer Syndrome; Hereditary neoplastic syndrome; Neoplastic Syndromes, Hereditary; Tumor predisposition. Identifiers: Orphanet 140162, MedGen C0027672, MeSH D009386, MONDO:0015356.

Allele frequency attached by ClinVar (database versions not stated): TOPMed below 0.00001; ExAC 0.00001; gnomAD 0.00001; gnomAD exomes 0.00001.

Submissions (6):

Labcorp Genetics (formerly Invitae), Labcorp
Classification: Uncertain significance for Hereditary breast ovarian cancer syndrome. Last evaluated: 2025-11-13. Review status: criteria provided, single submitter. Criteria: Invitae Variant Classification Sherloc (09022015). Collection method: clinical testing. Allele origin: germline.
Comment: This sequence change replaces tyrosine, which is neutral and polar, with histidine, which is basic and polar, at codon 422 of the BRCA1 protein (p.Tyr422His). This variant is present in population databases (rs764186025, gnomAD 0.01%). This variant has not been reported in the literature in individuals affected with BRCA1-related conditions. ClinVar contains an entry for this variant (Variation ID: 441286). Invitae Evidence Modeling of protein sequence and biophysical properties (such as structural, functional, and spatial information, amino acid conservation, physicochemical variation, residue mobility, and thermodynamic stability) indicates that this missense variant is not expected to disrupt BRCA1 protein function with a negative predictive value of 80%. In summary, the available evidence is currently insufficient to determine the role of this variant in disease. Therefore, it has been classified as a Variant of Uncertain Significance.

Ambry Genetics
Classification: Uncertain significance for Hereditary cancer-predisposing syndrome. Last evaluated: 2025-04-29. Review status: criteria provided, single submitter. Criteria: Ambry Variant Classification Scheme 2023. Collection method: clinical testing. Allele origin: germline.
Comment: The p.Y422H variant (also known as c.1264T>C), located in coding exon 9 of the BRCA1 gene, results from a T to C substitution at nucleotide position 1264. The tyrosine at codon 422 is replaced by histidine, an amino acid with similar properties. This amino acid position is not well conserved in available vertebrate species. In addition, the in silico prediction for this alteration is inconclusive. Based on the available evidence, the clinical significance of this variant remains unclear.

All of Us Research Program, National Institutes of Health
Classification: Uncertain significance for BRCA1-related cancer predisposition. Last evaluated: 2024-04-25. Review status: criteria provided, single submitter. Criteria: ACMG Guidelines, 2015. Collection method: clinical testing. Allele origin: germline. Inheritance: Autosomal dominant inheritance. Observed: 2 variant alleles, 2 heterozygotes.
Comment: This missense variant replaces tyrosine with histidine at codon 422 of the BRCA1 protein. Computational prediction suggests that this variant may not impact protein structure and function. To our knowledge, functional studies have not been reported for this variant. This variant has not been reported in individuals affected with BRCA1-related disorders in the literature. This variant has been identified in a woman age 70 or over who is unaffected with cancer (FLOSSIES) and in 2/250864 chromosomes in the general population by the Genome Aggregation Database (gnomAD). The available evidence is insufficient to determine the role of this variant in disease conclusively. Therefore, this variant is classified as a Variant of Uncertain Significance.

This study involves interpretation of variants in research participants for the purpose of population health screening. Participant phenotype was not available at the time of variant classification. Additional details can be found in publication PMID: 35346344, PMCID: PMC8962531

Color Diagnostics, LLC DBA Color Health
Classification: Uncertain significance for Hereditary cancer-predisposing syndrome. Last evaluated: 2024-04-11. Review status: criteria provided, single submitter. Criteria: ACMG Guidelines, 2015. Collection method: clinical testing. Allele origin: germline.
Comment: This missense variant replaces tyrosine with histidine at codon 422 of the BRCA1 protein. Computational prediction suggests that this variant may not impact protein structure and function. To our knowledge, functional studies have not been reported for this variant. This variant has not been reported in individuals affected with BRCA1-related disorders in the literature. This variant has been identified in a woman age 70 or over who is unaffected with cancer (FLOSSIES) and in 2/250864 chromosomes in the general population by the Genome Aggregation Database (gnomAD). The available evidence is insufficient to determine the role of this variant in disease conclusively. Therefore, this variant is classified as a Variant of Uncertain Significance.

University of Washington Department of Laboratory Medicine, University of Washington
Classification: Likely benign for Hereditary cancer-predisposing syndrome. Last evaluated: 2023-03-23. Review status: criteria provided, single submitter. Criteria: Dines et al. (Genet Med. 2020). Collection method: curation. Allele origin: germline.
Comment: Missense variant in a coldspot region where missense variants are very unlikely to be pathogenic (PMID:31911673).

BRCA1 coldspot (exon 11 using historical exon numbering). Reclassification based on statistical prior probability

GeneDx
Classification: Uncertain significance. Last evaluated: 2021-05-13. Review status: criteria provided, single submitter. Criteria: GeneDx Variant Classification Process June 2021. Collection method: clinical testing. Allele origin: germline. Affected: yes.
Comment: Not observed at a significant frequency in large population cohorts (Lek 2016); In silico analysis supports that this missense variant has a deleterious effect on protein structure/function; Has not been previously published as pathogenic or benign to our knowledge; Also known as 1383T>C

NM_007294.4(BRCA1):c.1264T>C (p.Tyr422His)

Gene: BRCA1 (BRCA1 DNA repair associated; minus strand). Cytogenetic location: 17q21.31.
Variant type: single nucleotide variant.
Coding change: c.1264T>C on transcript NM_007294.4 (MANE Select); coding-DNA position 1264, T replaced by C.
Protein change: p.Tyr422His; replaces tyrosine 422 with histidine.
Molecular consequence: missense variant. On other transcripts: intron variant (137).
Genome position (GRCh38, 1-based): chr17:43,094,267, A>G on the plus strand (T>C on the coding strand, the complement: BRCA1 is on the minus strand). VCF-style: chr17-43094267-A-G. GRCh37 (hg19) VCF-style: chr17-41246284-A-G.
Other names: c.1054T>C, p.Tyr352His (NM_001407885.1, NM_001407886.1, NM_001407887.1 and 13 more transcripts); c.1051T>C, p.Tyr351His (NM_001407898.1, NM_001407894.1, NM_001407895.1 and 9 more transcripts); c.1264T>C, p.Tyr422His (NM_001407581.1, NM_001407582.1, NM_001407583.1 and 30 more transcripts); c.1261T>C, p.Tyr421His (NM_001407587.1, NM_001407590.1, NM_001407591.1 and 22 more transcripts); c.1255T>C, p.Tyr419His (NM_001407646.1, NM_001407647.1); c.1141T>C, p.Tyr381His (NM_001407648.1, NM_001407664.1, NM_001407665.1 and 19 more transcripts); c.1138T>C, p.Tyr380His (NM_001407649.1, NM_001407670.1, NM_001407671.1 and 11 more transcripts); c.1186T>C, p.Tyr396His (NM_001407653.1, NM_001407654.1, NM_001407655.1 and 4 more transcripts); and 40 more; short protein forms Y422H, Y375H, Y126H, Y254H, Y295H, Y311H, Y351H, Y396H.
Identifiers: ClinVar variation 441286 (VCV000441286.27), dbSNP rs764186025, ClinGen allele CA057131.